The following is an entry in ClinVar:

NM_006904.7(PRKDC):c.7952A>G (p.Asp2651Gly)

Gene: PRKDC (protein kinase, DNA-activated, catalytic subunit; minus strand). Cytogenetic location: 8q11.21.
Variant type: single nucleotide variant.
Coding change: c.7952A>G on transcript NM_006904.7 (MANE Select); coding-DNA position 7952, A replaced by G.
Protein change: p.Asp2651Gly; replaces aspartic acid 2651 with glycine.
Molecular consequence: missense variant.
Genome position (GRCh38, 1-based): chr8:47,834,396, T>C on the plus strand (A>G on the coding strand, the complement: PRKDC is on the minus strand). VCF-style: chr8-47834396-T-C. GRCh37 (hg19) VCF-style: chr8-48746957-T-C.
Other names: c.7952A>G, p.Asp2651Gly (NM_001081640.2); short protein forms D2651G.
Identifiers: ClinVar variation 2123666 (VCV002123666.4), dbSNP rs1159683972, ClinGen allele CA371150082.

ClinVar aggregate classification (germline): Uncertain significance (1 of 4 stars; one submission).

Conditions:
Severe combined immunodeficiency due to DNA-PKcs deficiency. Also called: IMMUNODEFICIENCY 26 WITH NEUROLOGIC ABNORMALITIES; Immunodeficiency 26 with or without neurologic abnormalities. Identifiers: Orphanet 317425, MedGen C4014833, MONDO:0014423, OMIM 615966.

Allele frequency attached by ClinVar (database versions not stated): gnomAD exomes 0.00001.
gnomAD v4.1: 5 of 1,612,930 alleles (0.00031%); highest among the groups gnomAD compares: Non-Finnish European, 0.00025%; no homozygotes.

Submission:

Labcorp Genetics (formerly Invitae), Labcorp
Classification: Uncertain significance for Severe combined immunodeficiency due to DNA-PKcs deficiency. Last evaluated: 2022-04-09. Review status: criteria provided, single submitter. Criteria: Invitae Variant Classification Sherloc (09022015). Collection method: clinical testing. Allele origin: germline.
Comment: This sequence change replaces aspartic acid, which is acidic and polar, with glycine, which is neutral and non-polar, at codon 2651 of the PRKDC protein (p.Asp2651Gly). This variant is present in population databases (no rsID available, gnomAD 0.004%). This variant has not been reported in the literature in individuals affected with PRKDC-related conditions. Experimental studies and prediction algorithms are not available or were not evaluated, and the functional significance of this variant is currently unknown. In summary, the available evidence is currently insufficient to determine the role of this variant in disease. Therefore, it has been classified as a Variant of Uncertain Significance.